The following is an entry in ClinVar:

NM_004525.3(LRP2):c.10159G>T (p.Gly3387Cys)

Gene: LRP2 (LDL receptor related protein 2; minus strand). Cytogenetic location: 2q31.1.
Variant type: single nucleotide variant.
Coding change: c.10159G>T on transcript NM_004525.3 (MANE Select); coding-DNA position 10159, G replaced by T.
Protein change: p.Gly3387Cys; replaces glycine 3387 with cysteine.
Molecular consequence: missense variant.
Genome position (GRCh38, 1-based): chr2:169,181,458, C>A on the plus strand (G>T on the coding strand, the complement: LRP2 is on the minus strand). VCF-style: chr2-169181458-C-A. GRCh37 (hg19) VCF-style: chr2-170037968-C-A.
Other names: short protein forms G3387C.
Identifiers: ClinVar variation 1496899 (VCV001496899.8), dbSNP rs774287149, ClinGen allele CA59916023.
Genomic context (GRCh38, chr2:169,181,458, plus strand): 5'-GTTTGAAATAAACAGTTACACAATTGTTTTATGCTTTTCTATGTACGTACTCTATGTAAC[C>A]CAGGTGGGCATCTGCCCAGTAGAGTAGATCATTGGTGTAATCAATGGTGATGCCATTAGG-3'
Protein context (NP_004516.2, residues 3377-3397): DLLYWADAHL[Gly3387Cys]YIEYSDLEGH

ClinVar aggregate classification (germline): Uncertain significance (1 of 4 stars; one submission).

Allele frequency attached by ClinVar (database versions not stated): gnomAD exomes below 0.00001 and 0.00002; TOPMed below 0.00001.
gnomAD v4.1: 22 of 1,613,908 alleles (0.0014%); highest among the groups gnomAD compares: Non-Finnish European, 0.0019%; no homozygotes.

Submission:

Labcorp Genetics (formerly Invitae), Labcorp
Classification: Uncertain significance. Last evaluated: 2021-06-06. Review status: criteria provided, single submitter. Criteria: Invitae Variant Classification Sherloc (09022015). Collection method: clinical testing. Allele origin: germline.
Comment: In summary, the available evidence is currently insufficient to determine the role of this variant in disease. Therefore, it has been classified as a Variant of Uncertain Significance. Advanced modeling of protein sequence and biophysical properties (such as structural, functional, and spatial information, amino acid conservation, physicochemical variation, residue mobility, and thermodynamic stability) performed at Invitae indicates that this missense variant is not expected to disrupt LRP2 protein function. This variant has not been reported in the literature in individuals with LRP2-related conditions. This variant is not present in population databases (ExAC no frequency). This sequence change replaces glycine with cysteine at codon 3387 of the LRP2 protein (p.Gly3387Cys). The glycine residue is moderately conserved and there is a large physicochemical difference between glycine and cysteine.